The following is an entry in ClinVar:

NM_016038.4(SBDS):c.683C>G (p.Thr228Ser)

Gene: SBDS (SBDS ribosome maturation factor; minus strand). Cytogenetic location: 7q11.21.
Variant type: single nucleotide variant.
Coding change: c.683C>G on transcript NM_016038.4 (MANE Select); coding-DNA position 683, C replaced by G.
Protein change: p.Thr228Ser; replaces threonine 228 with serine.
Molecular consequence: missense variant.
Genome position (GRCh38, 1-based): chr7:66,988,441, G>C on the plus strand (C>G on the coding strand, the complement: SBDS is on the minus strand). VCF-style: chr7-66988441-G-C. GRCh37 (hg19) VCF-style: chr7-66453428-G-C.
Other names: short protein forms T228S.
Identifiers: ClinVar variation 4864050 (VCV004864050.1).

ClinVar aggregate classification (germline): Uncertain significance (1 of 4 stars; one submission).

Conditions:
Inborn genetic diseases. Identifiers: MedGen C0950123, MeSH D030342.

gnomAD v4.1: 1 of 1,613,816 alleles (0.000062%); highest among the groups gnomAD compares: South Asian, 0.0011%; no homozygotes.

Submission:

Ambry Genetics
Classification: Uncertain significance for Inborn genetic diseases. Last evaluated: 2026-04-04. Review status: criteria provided, single submitter. Criteria: Ambry Variant Classification Scheme 2023. Collection method: clinical testing. Allele origin: germline.
Comment: The p.T228S variant (also known as c.683C>G), located in coding exon 5 of the SBDS gene, results from a C to G substitution at nucleotide position 683. The threonine at codon 228 is replaced by serine, an amino acid with similar properties. This amino acid position is conserved. In addition, the in silico prediction for this alteration is inconclusive. Based on the available evidence, the clinical significance of this variant remains unclear.